The following is an entry in ClinVar:

ClinVar aggregate classification (germline): Uncertain significance (1 of 4 stars; one submission).

Submission:

Ambry Genetics
Classification: Uncertain significance. Last evaluated: 2021-12-10. Review status: criteria provided, single submitter. Criteria: Ambry Variant Classification Scheme 2023. Collection method: clinical testing. Allele origin: germline.
Comment: The p.S258Y variant (also known as c.773C>A), located in coding exon 9 of the NPAT gene, results from a C to A substitution at nucleotide position 773. The serine at codon 258 is replaced by tyrosine, an amino acid with dissimilar properties. This amino acid position is conserved. In addition, the in silico prediction for this alteration is inconclusive. Since supporting evidence is limited at this time, the clinical significance of this alteration remains unclear.

NM_002519.3(NPAT):c.773C>A (p.Ser258Tyr)

Gene: NPAT (nuclear protein, coactivator of histone transcription; minus strand). Cytogenetic location: 11q22.3.
Variant type: single nucleotide variant.
Coding change: c.773C>A on transcript NM_002519.3 (MANE Select); coding-DNA position 773, C replaced by A.
Protein change: p.Ser258Tyr; replaces serine 258 with tyrosine.
Molecular consequence: missense variant.
Genome position (GRCh38, 1-based): chr11:108,185,448, G>T on the plus strand (C>A on the coding strand, the complement: NPAT is on the minus strand). VCF-style: chr11-108185448-G-T. GRCh37 (hg19) VCF-style: chr11-108056175-G-T.
Other names: c.773C>A, p.Ser258Tyr (NM_001321307.1); short protein forms S258Y.
Identifiers: ClinVar variation 1760385 (VCV001760385.2), dbSNP rs2496738094, ClinGen allele CA382520996.